The following is an entry in ClinVar:

NM_004259.7(RECQL5):c.1455C>T (p.Asp485=)

Gene: RECQL5 (RecQ like helicase 5; minus strand). Cytogenetic location: 17q25.1.
Variant type: single nucleotide variant.
Coding change: c.1455C>T on transcript NM_004259.7 (MANE Select); coding-DNA position 1455, C replaced by T.
Protein change: p.Asp485=; no amino-acid change (aspartic acid 485 retained).
Molecular consequence: synonymous variant.
Genome position (GRCh38, 1-based): chr17:75,631,243, G>A on the plus strand (C>T on the coding strand, the complement: RECQL5 is on the minus strand). VCF-style: chr17-75631243-G-A. GRCh37 (hg19) VCF-style: chr17-73627323-G-A.
Identifiers: ClinVar variation 3051248 (VCV003051248.2), dbSNP rs35273978, ClinGen allele CA8767500.
Genomic context (GRCh38, chr17:75,631,243, plus strand): 5'-GTTCCACTCCCGCTTGTGGGCCTCATCTCTGCCTTCATCCCCGCTGCCTCCAGAACCTTC[G>A]TCATACCTAGGGACAGGCCAGGCGTGAGTGGCCCTGGCCTGGGCTCTGCCCTCCCCATGT-3'
Protein context (NP_004250.4, residues 475-495): RKGYGDFSRY[Asp485=]EGSGGSGDEG

ClinVar aggregate classification (germline): Likely benign (0 of 4 stars; one submission).

Conditions:
RECQL5-related disorder. Also called: RECQL5-related condition.

Allele frequency attached by ClinVar (database versions not stated): gnomAD exomes 0.00024; ExAC 0.00045; ESP Exome Variant Server 0.00062; gnomAD 0.00083; TOPMed 0.00114; 1000 Genomes Project 0.00140; 1000 Genomes Project 30x 0.00141.
gnomAD v4.1: 510 of 1,613,780 alleles (0.032%); highest among the groups gnomAD compares: Admixed American, 0.18%; 2 homozygotes.

Submission:

PreventionGenetics, part of Exact Sciences
Classification: Likely benign for RECQL5-related condition. Last evaluated: 2022-04-18. Review status: no assertion criteria provided. Collection method: clinical testing. Allele origin: germline.
Comment: This variant is classified as likely benign based on ACMG/AMP sequence variant interpretation guidelines (Richards et al. 2015 PMID: 25741868, with internal and published modifications).